The following is an entry in ClinVar:

NM_013352.4(DSE):c.1073C>G (p.Pro358Arg)

Gene: DSE (dermatan sulfate epimerase; plus strand). Cytogenetic location: 6q22.1.
Variant type: single nucleotide variant.
Coding change: c.1073C>G on transcript NM_013352.4 (MANE Select); coding-DNA position 1073, C replaced by G.
Protein change: p.Pro358Arg; replaces proline 358 with arginine.
Molecular consequence: missense variant. On other transcripts: intron variant (3).
Genome position (GRCh38, 1-based): chr6:116,433,505, C>G. VCF-style: chr6-116433505-C-G. GRCh37 (hg19) VCF-style: chr6-116754668-C-G.
Other names: c.1073C>G, p.Pro358Arg (NM_001080976.3, NM_001322937.2, NM_001322938.2); c.1130C>G, p.Pro377Arg (NM_001322939.2); c.512C>G, p.Pro171Arg (NM_001322940.2, NM_001322941.2); c.74C>G, p.Pro25Arg (NM_001374520.1); c.84-2082C>G (NM_001374521.1); c.911-2082C>G (NM_001322944.2); c.671-2082C>G (NM_001322943.2); c.1073C>G (NM_013352.2); short protein forms P171R, P25R, P377R, P358R.
Identifiers: ClinVar variation 2080882 (VCV002080882.3), dbSNP rs1340425375, ClinGen allele CA365396195.
Genomic context (GRCh38, chr6:116,433,505, plus strand): 5'-GTGGTAACTGGCTAGCTGACCAAATCAGAAGGAACCGTGTGGTGGAAGGTCCAGGAACAC[C>G]ATCCAAAGGGCAGCGCTGGTGCACTCTGCACACAGAATTTCTCTGGTATGACACATTGGG-3'
Protein context (NP_037484.1, residues 348-368): RNRVVEGPGT[Pro358Arg]SKGQRWCTLH

ClinVar aggregate classification (germline): Uncertain significance. Review status: criteria provided, multiple submitters, no conflicts (2 of 4 stars). 3 submissions from 3 submitters: Uncertain significance (3). Last evaluated 2025-11-13.

Conditions:
Inborn genetic diseases. Identifiers: MedGen C0950123, MeSH D030342.
Ehlers-Danlos syndrome, musculocontractural type 2 (EDSMC2). Identifiers: Orphanet 2953, MedGen C3809845, MONDO:0014236, OMIM 615539.

Allele frequency attached by ClinVar (database versions not stated): gnomAD 0.00001; gnomAD exomes 0.00002; TOPMed 0.00002.
gnomAD v4.1: 37 of 1,571,646 alleles (0.0024%); highest among the groups gnomAD compares: Non-Finnish European, 0.003%; no homozygotes.

Submissions (3):

Ambry Genetics
Classification: Uncertain significance for Inborn genetic diseases. Last evaluated: 2025-11-13. Review status: criteria provided, single submitter. Criteria: Ambry Variant Classification Scheme 2023. Collection method: clinical testing. Allele origin: germline.

Women's Health and Genetics/Laboratory Corporation of America, LabCorp
Classification: Uncertain significance. Last evaluated: 2025-10-14. Review status: criteria provided, single submitter. Criteria: LabCorp Variant Classification Summary - May 2015. Collection method: clinical testing. Allele origin: germline.
Comment: Variant summary: DSE c.1073C>G (p.Pro358Arg) results in a non-conservative amino acid change in the encoded protein sequence. Algorithms developed to predict the effect of missense changes on protein structure and function are either unavailable or do not agree on the potential impact of this missense change. The frequency data for this variant in gnomAD is considered unreliable, as metrics indicate poor data quality at this position. To our knowledge, no occurrence of c.1073C>G in individuals affected with DSE-related conditions and no experimental evidence demonstrating its impact on protein function have been reported. ClinVar contains an entry for this variant (Variation ID: 2080882). Based on the evidence outlined above, the variant was classified as uncertain significance.

Labcorp Genetics (formerly Invitae), Labcorp
Classification: Uncertain significance for Ehlers-Danlos syndrome, musculocontractural type 2. Last evaluated: 2022-08-07. Review status: criteria provided, single submitter. Criteria: Invitae Variant Classification Sherloc (09022015). Collection method: clinical testing. Allele origin: germline.
Comment: This sequence change replaces proline, which is neutral and non-polar, with arginine, which is basic and polar, at codon 358 of the DSE protein (p.Pro358Arg). This variant is not present in population databases (gnomAD no frequency). This variant has not been reported in the literature in individuals affected with DSE-related conditions. Algorithms developed to predict the effect of missense changes on protein structure and function are either unavailable or do not agree on the potential impact of this missense change (SIFT: "Not Available"; PolyPhen-2: "Possibly Damaging"; Align-GVGD: "Not Available"). In summary, the available evidence is currently insufficient to determine the role of this variant in disease. Therefore, it has been classified as a Variant of Uncertain Significance.